The following is an entry in ClinVar:

ClinVar aggregate classification (germline): Conflicting classifications of pathogenicity. Review status: criteria provided, conflicting classifications (1 of 4 stars). 5 submissions from 5 submitters: Uncertain significance (2); Likely benign (3). Last evaluated 2025-12-12.

Conditions:
Hereditary cancer-predisposing syndrome. Also called: Tumor predisposition; Hereditary neoplastic syndrome; Neoplastic Syndromes, Hereditary; Hereditary Cancer Syndrome. Identifiers: Orphanet 140162, MedGen C0027672, MeSH D009386, MONDO:0015356.
Basal cell carcinoma, susceptibility to, 1. Also called: BCC1. Identifiers: MedGen C2751544, MONDO:0011556, OMIM 605462.
Gorlin syndrome. Also called: Nevoid Basal Cell Carcinoma Syndrome; Basal cell nevus syndrome. Identifiers: Orphanet 377, MedGen C0004779, MONDO:0007187.
PTCH1-related disorder. Also called: PTCH1-related disorders; PTCH1-related condition.

Allele frequency attached by ClinVar (database versions not stated): gnomAD 0.00001; gnomAD exomes 0.00001; ExAC 0.00002; TOPMed 0.00002.
gnomAD v4.1: 14 of 1,614,052 alleles (0.00087%); highest among the groups gnomAD compares: South Asian, 0.0022%; no homozygotes.

Submissions (5):

Labcorp Genetics (formerly Invitae), Labcorp
Classification: Likely benign for Gorlin syndrome. Last evaluated: 2025-12-12. Review status: criteria provided, single submitter. Criteria: Invitae Variant Classification Sherloc (09022015). Collection method: clinical testing. Allele origin: germline.

PreventionGenetics, part of Exact Sciences
Classification: Likely benign for PTCH1-related condition. Last evaluated: 2025-11-30. Review status: criteria provided, single submitter. Criteria: ACMG Guidelines, 2015. Collection method: clinical testing. Allele origin: germline.
Comment: This variant is classified as likely benign based on ACMG/AMP sequence variant interpretation guidelines (Richards et al. 2015 PMID: 25741868, with internal and published modifications).

Ambry Genetics
Classification: Likely benign for Hereditary cancer-predisposing syndrome. Last evaluated: 2025-07-23. Review status: criteria provided, single submitter. Criteria: Ambry Variant Classification Scheme 2023. Collection method: clinical testing. Allele origin: germline.

GeneDx
Classification: Uncertain significance. Last evaluated: 2024-06-24. Review status: criteria provided, single submitter. Criteria: GeneDx Variant Classification Process June 2021. Collection method: clinical testing. Allele origin: germline. Affected: yes.
Comment: Not observed at significant frequency in large population cohorts (gnomAD); In silico analysis supports that this missense variant does not alter protein structure/function; Has not been previously published as pathogenic or benign to our knowledge; This variant is associated with the following publications: (PMID: 8906794, 29338072)

Baylor Genetics
Classification: Uncertain significance for Basal cell carcinoma, susceptibility to, 1. Last evaluated: 2023-11-17. Review status: criteria provided, single submitter. Criteria: ACMG Guidelines, 2015. Collection method: clinical testing. Allele origin: unknown.

NM_000264.5(PTCH1):c.413G>A (p.Arg138His)

Gene: PTCH1 (patched 1; minus strand). Cytogenetic location: 9q22.32.
Variant type: single nucleotide variant.
Coding change: c.413G>A on transcript NM_000264.5 (MANE Select); coding-DNA position 413, G replaced by A.
Protein change: p.Arg138His; replaces arginine 138 with histidine.
Molecular consequence: missense variant. On other transcripts: 5 prime UTR variant (4), non-coding transcript variant (1).
Genome position (GRCh38, 1-based): chr9:95,485,856, C>T on the plus strand (G>A on the coding strand, the complement: PTCH1 is on the minus strand). VCF-style: chr9-95485856-C-T. GRCh37 (hg19) VCF-style: chr9-98248138-C-T.
Other names: c.215G>A, p.Arg72His (NM_001083602.3, NM_001354919.2); c.410G>A, p.Arg137His (NM_001083603.3); c.-41G>A (NM_001083604.3, NM_001083605.3, NM_001083606.3 and 1 more transcripts); c.413G>A, p.Arg138His (NM_001354918.2); short protein forms R138H, R72H, R137H.
Identifiers: ClinVar variation 453882 (VCV000453882.21), dbSNP rs763774051, ClinGen allele CA5138940.